The following is an entry in ClinVar:

NM_001943.5(DSG2):c.1765dup (p.Thr589fs)

Gene: DSG2 (desmoglein 2; plus strand). Cytogenetic location: 18q12.1.
Variant type: Duplication.
Coding change: c.1765dup on transcript NM_001943.5 (MANE Select); coding-DNA position 1765, one base duplicated (A; older notation c.1765dupA).
Protein change: p.Thr589fs; shifts the reading frame from threonine 589.
Molecular consequence: frameshift variant.
Genome position (GRCh38, 1-based): chr18:31,538,864, A duplicated. VCF-style (leftmost placement, unchanged base first): chr18-31538863-C-CA. GRCh37 (hg19) VCF-style: chr18-29118826-C-CA.
Other names: short protein forms T589fs.
Identifiers: ClinVar variation 3382030 (VCV003382030.3).

ClinVar aggregate classification (germline): Likely pathogenic (1 of 4 stars; one submission).

Conditions:
Arrhythmogenic right ventricular dysplasia 10. Also called: ARRHYTHMOGENIC RIGHT VENTRICULAR DYSPLASIA, FAMILIAL, 10; Arrhythmogenic Right Ventricular Dysplasia/Cardiomyopathy10; Arrhythmogenic right ventricular dysplasia/cardiomyopathy, type 10. Identifiers: MedGen C1857777, MONDO:0012434, OMIM 610193.
Dilated cardiomyopathy 1BB (CMD1BB). Also called: CARDIOMYOPATHY, DILATED, 1BB, SUSCEPTIBILITY TO. Identifiers: Orphanet 154, MedGen C2752072, MONDO:0013030, OMIM 612877.

Submission:

Juno Genomics, Hangzhou Juno Genomics, Inc
Classification: Likely pathogenic for Arrhythmogenic right ventricular dysplasia 10; Dilated cardiomyopathy 1BB. Review status: criteria provided, single submitter. Criteria: ACMG Guidelines, 2015. Collection method: clinical testing. Allele origin: germline.
Comment: Absent from controls (or at extremely low frequency if recessive) in Genome Aggregation Database.;Null variant in a gene where loss of function (LOF) is a known mechanism of disease.